The following is an entry in ClinVar:

NM_001374736.1(DST):c.19356A>G (p.Ile6452Met)

Gene: DST (dystonin; minus strand). Cytogenetic location: 6p12.1.
Variant type: single nucleotide variant.
Coding change: c.19356A>G on transcript NM_001374736.1 (MANE Select); coding-DNA position 19356, A replaced by G.
Protein change: p.Ile6452Met; replaces isoleucine 6452 with methionine.
Molecular consequence: missense variant.
Genome position (GRCh38, 1-based): chr6:56,506,673, T>C on the plus strand (A>G on the coding strand, the complement: DST is on the minus strand). VCF-style: chr6-56506673-T-C. GRCh37 (hg19) VCF-style: chr6-56371471-T-C.
Other names: c.12999A>G, p.Ile4333Met (NM_001144769.5); c.12585A>G, p.Ile4195Met (NM_001144770.2); c.19356A>G, p.Ile6452Met (NM_001374722.1); c.18396A>G, p.Ile6132Met (NM_001374729.1); c.12138A>G, p.Ile4046Met (NM_001374730.1); c.19383A>G, p.Ile6461Met (NM_001374734.1); c.12465A>G, p.Ile4155Met (NM_001386100.1, NM_183380.4); c.11487A>G, p.Ile3829Met (NM_015548.5); short protein forms I3829M, I4046M, I4155M, I4195M, I4333M, I6132M, I6452M, I6461M.
Identifiers: ClinVar variation 998565 (VCV000998565.7), dbSNP rs2096326322, ClinGen allele CA364522548.

ClinVar aggregate classification (germline): Uncertain significance (1 of 4 stars; one submission).

Conditions:
Epidermolysis bullosa simplex 3, localized or generalized intermediate, with BP230 deficiency (EBS3). Also called: Epidermolysis bullosa simplex, autosomal recessive 2; Epidermolysis bullosa simplex due to BP230 deficiency. Identifiers: Orphanet 412181, MedGen C3809470, MONDO:0014180, OMIM 615425.
Hereditary sensory and autonomic neuropathy type 6. Also called: HSAN VI; Neuropathy, hereditary sensory and autonomic, type VI. Identifiers: Orphanet 314381, MedGen C3539003, MONDO:0013839, OMIM 614653.

Allele frequency attached by ClinVar (database versions not stated): gnomAD 0.00001.
gnomAD v4.1: 1 of 1,613,504 alleles (0.000062%); highest among the groups gnomAD compares: Admixed American, 0.0017%; no homozygotes.

Submission:

Labcorp Genetics (formerly Invitae), Labcorp
Classification: Uncertain significance for Epidermolysis bullosa simplex 3, localized or generalized intermediate, with BP230 deficiency; Hereditary sensory and autonomic neuropathy type 6. Last evaluated: 2022-11-21. Review status: criteria provided, single submitter. Criteria: Invitae Variant Classification Sherloc (09022015). Collection method: clinical testing. Allele origin: germline.
Comment: In summary, the available evidence is currently insufficient to determine the role of this variant in disease. Therefore, it has been classified as a Variant of Uncertain Significance. ClinVar contains an entry for this variant (Variation ID: 998565). Experimental studies and prediction algorithms are not available or were not evaluated, and the functional significance of this variant is currently unknown. The DST gene has multiple clinically relevant transcripts. This variant occurs in alternate transcript NM_015548.4, and corresponds to NM_001723.5:c.*108844A>G in the primary transcript. This sequence change replaces isoleucine, which is neutral and non-polar, with methionine, which is neutral and non-polar, at codon 3829 of the DST protein (p.Ile3829Met). This variant is not present in population databases (gnomAD no frequency). This variant has not been reported in the literature in individuals affected with DST-related conditions.